The following is an entry in ClinVar:

ClinVar aggregate classification (germline): Conflicting classifications of pathogenicity. Review status: criteria provided, conflicting classifications (1 of 4 stars). 5 submissions from 5 submitters: Uncertain significance (1); Likely benign (1). 3 of the submissions do not count toward it. Last evaluated 2026-01-02.

Conditions:
Autoinflammatory syndrome. Identifiers: Orphanet 93665, MedGen C3890737, MONDO:0019751.
Blau syndrome (BLAUS). Also called: GRANULOMATOSIS, FAMILIAL JUVENILE SYSTEMIC; GRANULOMATOSIS, FAMILIAL, BLAU TYPE; GRANULOMATOUS INFLAMMATORY ARTHRITIS, DERMATITIS, AND UVEITIS, FAMILIAL; JABS SYNDROME; ARTHROCUTANEOUVEAL GRANULOMATOSIS. Identifiers: Orphanet 90340, MedGen C5201146, MONDO:0008523, OMIM 186580.
Regional enteritis. Also called: Enteritis, Granulomatous. Identifiers: MedGen C0678202, MeSH D003424.

Allele frequency attached by ClinVar (database versions not stated): ExAC 0.00002; gnomAD 0.00003 and 0.00004; TOPMed 0.00003; gnomAD exomes 0.00004.
gnomAD v4.1: 62 of 1,613,992 alleles (0.0038%); highest among the groups gnomAD compares: Non-Finnish European, 0.0046%; no homozygotes.

Submissions (5):

Labcorp Genetics (formerly Invitae), Labcorp
Classification: Uncertain significance for Regional enteritis; Blau syndrome. Last evaluated: 2026-01-02. Review status: criteria provided, single submitter. Criteria: Invitae Variant Classification Sherloc (09022015). Collection method: clinical testing. Allele origin: germline.
Comment: This sequence change replaces aspartic acid, which is acidic and polar, with valine, which is neutral and non-polar, at codon 390 of the NOD2 protein (p.Asp390Val). This variant is present in population databases (rs769622495, gnomAD 0.006%). This missense change has been observed in individual(s) with clinical features of Blau syndrome (PMID: 25209167). ClinVar contains an entry for this variant (Variation ID: 1043683). Invitae Evidence Modeling of protein sequence and biophysical properties (such as structural, functional, and spatial information, amino acid conservation, physicochemical variation, residue mobility, and thermodynamic stability) has been performed for this missense variant. However, the output from this modeling did not meet the statistical confidence thresholds required to predict the impact of this variant on NOD2 protein function. In summary, the available evidence is currently insufficient to determine the role of this variant in disease. Therefore, it has been classified as a Variant of Uncertain Significance.

Genome Diagnostics Laboratory, The Hospital for Sick Children
Classification: Likely benign for Autoinflammatory syndrome. Last evaluated: 2020-12-09. Review status: criteria provided, single submitter. Criteria: ACMG Guidelines, 2015. Collection method: clinical testing. Allele origin: germline. Affected: yes.

Clinical Genetics DNA and cytogenetics Diagnostics Lab, Erasmus MC, Erasmus Medical Center
Classification: Uncertain significance. Review status: no assertion criteria provided. Collection method: clinical testing. Allele origin: germline. Affected: yes. Study: VKGL Data-share Consensus. Not counted in ClinVar's aggregate classification.

Diagnostic Laboratory, Department of Genetics, University Medical Center Groningen
Classification: Uncertain significance. Review status: no assertion criteria provided. Collection method: clinical testing. Allele origin: germline. Affected: yes. Study: VKGL Data-share Consensus. Not counted in ClinVar's aggregate classification.

Genome Diagnostics Laboratory, University Medical Center Utrecht
Classification: Uncertain significance. Review status: no assertion criteria provided. Collection method: clinical testing. Allele origin: germline. Affected: yes. Study: VKGL Data-share Consensus. Not counted in ClinVar's aggregate classification.

Literature cited by the submitters: PubMed 25209167 (cited by Labcorp Genetics (formerly Invitae), Labcorp).

NM_001370466.1(NOD2):c.1088A>T (p.Asp363Val)

Gene: NOD2 (nucleotide binding oligomerization domain containing 2; plus strand). Cytogenetic location: 16q12.1.
Variant type: single nucleotide variant.
Coding change: c.1088A>T on transcript NM_001370466.1 (MANE Select); coding-DNA position 1088, A replaced by T.
Protein change: p.Asp363Val; replaces aspartic acid 363 with valine.
Molecular consequence: missense variant. On other transcripts: non-coding transcript variant (1).
Genome position (GRCh38, 1-based): chr16:50,711,080, A>T. VCF-style: chr16-50711080-A-T. GRCh37 (hg19) VCF-style: chr16-50744991-A-T.
Other names: c.1088A>T, p.Asp363Val (NM_001293557.2); c.1169A>T, p.Asp390Val (NM_022162.3); short protein forms D363V, D390V.
Identifiers: ClinVar variation 1043683 (VCV001043683.13), dbSNP rs769622495, ClinGen allele CA8051481.
Genomic context (GRCh38, chr16:50,711,080, plus strand): 5'-ACCCTGACCGTGTCCTGTTAACCTTTGATGGCTTTGACGAGTTCAAGTTCAGGTTCACGG[A>T]TCGTGAACGCCACTGCTCCCCGACCGACCCCACCTCTGTCCAGACCCTGCTCTTCAACCT-3'
Protein context (NP_001357395.1, residues 353-373): GFDEFKFRFT[Asp363Val]RERHCSPTDP